The following is an entry in ClinVar:

NM_018100.4(EFHC1):c.598G>C (p.Glu200Gln)

Gene: EFHC1 (EF-hand domain containing 1; plus strand). Cytogenetic location: 6p12.2.
Variant type: single nucleotide variant.
Coding change: c.598G>C on transcript NM_018100.4 (MANE Select); coding-DNA position 598, G replaced by C.
Protein change: p.Glu200Gln; replaces glutamic acid 200 with glutamine.
Molecular consequence: missense variant. On other transcripts: non-coding transcript variant (1).
Genome position (GRCh38, 1-based): chr6:52,452,712, G>C. VCF-style: chr6-52452712-G-C. GRCh37 (hg19) VCF-style: chr6-52317510-G-C.
Other names: c.541G>C, p.Glu181Gln (NM_001172420.2); short protein forms E181Q, E200Q.
Identifiers: ClinVar variation 646256 (VCV000646256.1), dbSNP rs767704811, ClinGen allele CA364452006.

ClinVar aggregate classification (germline): Uncertain significance (1 of 4 stars; one submission).

Conditions:
Juvenile myoclonic epilepsy (EJM). Also called: JANZ SYNDROME; PETIT MAL, IMPULSIVE. Identifiers: Orphanet 307, MedGen C0270853, MONDO:0009696.
Absence seizure. Also called: Absence epilepsy. Identifiers: Orphanet 1941, MedGen C0014553.

Submission:

Labcorp Genetics (formerly Invitae), Labcorp
Classification: Uncertain significance for EJM1; Typical absence seizure. Last evaluated: 2018-08-25. Review status: criteria provided, single submitter. Criteria: Invitae Variant Classification Sherloc (09022015). Collection method: clinical testing. Allele origin: germline.
Comment: This sequence change replaces glutamic acid with glutamine at codon 200 of the EFHC1 protein (p.Glu200Gln). The glutamic acid residue is highly conserved and there is a small physicochemical difference between glutamic acid and glutamine. This variant is not present in population databases (ExAC no frequency). This variant has not been reported in the literature in individuals with EFHC1-related disease. Algorithms developed to predict the effect of missense changes on protein structure and function are either unavailable or do not agree on the potential impact of this missense change (SIFT: "Tolerated"; PolyPhen-2: "Possibly Damaging"; Align-GVGD: "Class C0"). In summary, the available evidence is currently insufficient to determine the role of this variant in disease. Therefore, it has been classified as a Variant of Uncertain Significance.